The following is an entry in ClinVar:

NM_203446.3(SYNJ1):c.1244C>T (p.Pro415Leu)

Gene: SYNJ1 (synaptojanin 1; minus strand). Cytogenetic location: 21q22.11.
Variant type: single nucleotide variant.
Coding change: c.1244C>T on transcript NM_203446.3 (MANE Select); coding-DNA position 1244, C replaced by T.
Protein change: p.Pro415Leu; replaces proline 415 with leucine.
Molecular consequence: missense variant.
Genome position (GRCh38, 1-based): chr21:32,681,605, G>A on the plus strand (C>T on the coding strand, the complement: SYNJ1 is on the minus strand). VCF-style: chr21-32681605-G-A. GRCh37 (hg19) VCF-style: chr21-34053915-G-A.
Other names: c.1244C>T, p.Pro415Leu (NM_001160302.2, NM_001160306.2); c.1361C>T, p.Pro454Leu (NM_003895.4); short protein forms P454L, P415L.
Identifiers: ClinVar variation 1390399 (VCV001390399.8), dbSNP rs2146047706, ClinGen allele CA410090284.

ClinVar aggregate classification (germline): Uncertain significance (1 of 4 stars; one submission).

Conditions:
Developmental and epileptic encephalopathy, 53. Also called: Epileptic encephalopathy, early infantile, 53. Identifiers: MedGen C4479313, MONDO:0033362, OMIM 617389.
Early-onset Parkinson disease 20. Also called: PARKINSON DISEASE 20, AUTOSOMAL RECESSIVE EARLY-ONSET. Identifiers: Orphanet 391411, MedGen C3809824, MONDO:0014233, OMIM 615530.

Submission:

Labcorp Genetics (formerly Invitae), Labcorp
Classification: Uncertain significance for Developmental and epileptic encephalopathy, 53; Early-onset Parkinson disease 20. Last evaluated: 2021-04-24. Review status: criteria provided, single submitter. Criteria: Invitae Variant Classification Sherloc (09022015). Collection method: clinical testing. Allele origin: germline.
Comment: In summary, the available evidence is currently insufficient to determine the role of this variant in disease. Therefore, it has been classified as a Variant of Uncertain Significance. Algorithms developed to predict the effect of missense changes on protein structure and function are either unavailable or do not agree on the potential impact of this missense change (SIFT: "Tolerated"; PolyPhen-2: "Probably Damaging"; Align-GVGD: "Class C0"). This variant has not been reported in the literature in individuals with SYNJ1-related conditions. This variant is not present in population databases (ExAC no frequency). This sequence change replaces proline with leucine at codon 454 of the SYNJ1 protein (p.Pro454Leu). The proline residue is moderately conserved and there is a moderate physicochemical difference between proline and leucine.